The following is an entry in ClinVar:

NM_001376.5(DYNC1H1):c.13508_13515+7dup

Gene: DYNC1H1 (dynein cytoplasmic 1 heavy chain 1; plus strand). Cytogenetic location: 14q32.31.
Variant type: Duplication.
Coding change: c.13508_13515+7dup on transcript NM_001376.5 (MANE Select); coding-DNA position 13508 through 7 bases into the intron after coding-DNA position 13515, 15 bases duplicated (AGCTAAAGGTGAAGG).
Molecular consequence: splice donor variant.
Genome position (GRCh38, 1-based): chr14:102,049,575-102,049,589, AGCTAAAGGTGAAGG duplicated; duplicating any 15 consecutive bases within chr14:102,049,571-102,049,589 gives the same sequence; the c. name uses the placement nearest the transcript's 3' end. VCF-style (leftmost placement, unchanged base first): chr14-102049570-C-CAAGGAGCTAAAGGTG. GRCh37 (hg19) VCF-style: chr14-102515907-C-CAAGGAGCTAAAGGTG.
Identifiers: ClinVar variation 2036327 (VCV002036327.4), dbSNP rs2503888644, ClinGen allele CA2580088455.

ClinVar aggregate classification (germline): Uncertain significance (1 of 4 stars; one submission).

Conditions:
Charcot-Marie-Tooth disease axonal type 2O. Also called: Charcot-Marie-Tooth Neuropathy Type 2O; CHARCOT-MARIE-TOOTH DISEASE, AXONAL, AUTOSOMAL DOMINANT, TYPE 2O; CHARCOT-MARIE-TOOTH NEUROPATHY, AXONAL, TYPE 2O; Charcot-Marie-Tooth disease, axonal, type 20. Identifiers: Orphanet 284232, MedGen C3280220, MONDO:0013644, OMIM 614228.

Submission:

Labcorp Genetics (formerly Invitae), Labcorp
Classification: Uncertain significance for Charcot-Marie-Tooth disease axonal type 2O. Last evaluated: 2022-10-20. Review status: criteria provided, single submitter. Criteria: Invitae Variant Classification Sherloc (09022015). Collection method: clinical testing. Allele origin: germline.
Comment: This sequence change falls in intron 75 of the DYNC1H1 gene. It does not directly change the encoded amino acid sequence of the DYNC1H1 protein. In summary, the available evidence is currently insufficient to determine the role of this variant in disease. Therefore, it has been classified as a Variant of Uncertain Significance. Algorithms developed to predict the effect of sequence changes on RNA splicing suggest that this variant may create or strengthen a splice site. This variant has not been reported in the literature in individuals affected with DYNC1H1-related conditions. This variant is not present in population databases (gnomAD no frequency).